The following is an entry in ClinVar:

NM_000059.4(BRCA2):c.394_398del (p.Cys132fs)

Gene: BRCA2 (BRCA2 DNA repair associated; plus strand). Cytogenetic location: 13q13.1.
Variant type: Deletion.
Coding change: c.394_398del on transcript NM_000059.4 (MANE Select); coding-DNA positions 394 to 398, 5 bases deleted (TGTCC; older notation c.394_398delTGTCC).
Protein change: p.Cys132fs; shifts the reading frame from cysteine 132.
Molecular consequence: frameshift variant. On other transcripts: non-coding transcript variant (1).
Genome position (GRCh38, 1-based): chr13:32,325,153-32,325,157, TGTCC deleted; deleting any 5 consecutive bases within chr13:32,325,150-32,325,157 gives the same sequence; the c. name uses the placement nearest the transcript's 3' end. VCF-style (leftmost placement, unchanged base first): chr13-32325149-TTCCTG-T. GRCh37 (hg19) VCF-style: chr13-32899286-TTCCTG-T.
Other names: c.394_398delTGTCC, p.Cys132Thrfs (NM_000059.3); c.394_398del, p.Cys132fs (NM_001406719.1, NM_001406720.1, NM_001406721.1); c.25_29del, p.Cys9fs (NM_001406722.1); c.394_398del (NM_000059.3); short protein forms C132fs, C9fs.
Identifiers: ClinVar variation 2863032 (VCV002863032.4), dbSNP rs2548514118, ClinGen allele CA2739277553.
Genomic context (GRCh38, chr13:32,325,149, plus strand): 5'-CAATAGTAGACATAAAAGTCTTCGCACAGTGAAAACTAAAATGGATCAAGCAGATGATGT[TTCCTG>T]TCCACTTCTAAATTCTTGTCTTAGTGAAAGGTATGATGAAGCTATTATATTAAAATATTT-3'

ClinVar aggregate classification (germline): Pathogenic/Likely pathogenic. Review status: criteria provided, multiple submitters, no conflicts (2 of 4 stars). 2 submissions from 2 submitters: Pathogenic (1); Likely pathogenic (1). Last evaluated 2024-09-15.

Conditions:
Hereditary breast ovarian cancer syndrome. Also called: Hereditary breast and ovarian cancer syndrome; Hereditary breast and/or ovarian cancer syndrome; BRCA1- and BRCA2-Associated Hereditary Breast and Ovarian Cancer; Hereditary breast and ovarian cancer syndrome (HBOC); Hereditary breast and ovarian cancer; Breast and ovarian cancer. Identifiers: Orphanet 145, MedGen C0677776, MeSH D061325, MONDO:0003582. Disease mechanism: loss of function.

Submissions (2):

Labcorp Genetics (formerly Invitae), Labcorp
Classification: Pathogenic for Hereditary breast ovarian cancer syndrome. Last evaluated: 2024-09-15. Review status: criteria provided, single submitter. Criteria: Invitae Variant Classification Sherloc (09022015). Collection method: clinical testing. Allele origin: germline.
Comment: This sequence change creates a premature translational stop signal (p.Cys132Thrfs*7) in the BRCA2 gene. It is expected to result in an absent or disrupted protein product. Loss-of-function variants in BRCA2 are known to be pathogenic (PMID: 20104584). This variant is not present in population databases (gnomAD no frequency). This variant has not been reported in the literature in individuals affected with BRCA2-related conditions. For these reasons, this variant has been classified as Pathogenic.

Quest Diagnostics Nichols Institute San Juan Capistrano
Classification: Likely pathogenic. Last evaluated: 2024-07-16. Review status: criteria provided, single submitter. Criteria: Quest Diagnostics criteria. Collection method: clinical testing. Allele origin: unknown.
Comment: The BRCA2 c.394_398del (p.Cys132Thrfs*7) variant alters the translational reading frame of the BRCA2 mRNA and is predicted to cause the premature termination of BRCA2 protein synthesis. This variant has not been reported in individuals with BRCA2-related conditions in the published literature. This variant has not been reported in large, multi-ethnic general populations (Genome Aggregation Database). Based on the available information, this variant is classified as likely pathogenic.

Literature cited by the submitters: PubMed 20104584 (cited by Labcorp Genetics (formerly Invitae), Labcorp).